The following is an entry in ClinVar:

NM_001365999.1(SZT2):c.8826-5_8826-4insTTTTTTTTTTTTTTTTTTTTNNNNNNNNNNTGACCTCGTGATCCGCCCGCCTCGGCCTCCCAAAGTGCTGGGATTACAGGCGTGAGCCACCGCGCCCGGCCCCTCCTCCTTTTCT

Gene: SZT2 (SZT2 subunit of KICSTOR complex; plus strand). Cytogenetic location: 1p34.2.
Variant type: Insertion.
Coding change: c.8826-5_8826-4insTTTTTTTTTTTTTTTTTTTTNNNNNNNNNNTGACCTCGTGATCCGCCCGCCTCGGCCTCCCAAAGTGCTGGGATTACAGGCGTGAGCCACCGCGCCCGGCCCCTCCTCCTTTTCT on transcript NM_001365999.1 (MANE Select); 5 bases into the intron before coding-DNA position 8826 through 4 bases into the intron before coding-DNA position 8826, TTTTTTTTTTTTTTTTTTTTNNNNNNNNNNTGACCTCGTGATCCGCCCGCCTCGGCCTCCCAAAGTGCTGGGATTACAGGCGTGAGCCACCGCGCCCGGCCCCTCCTCCTTTTCT inserted.
Molecular consequence: intron variant.
Genome position: GRCh38: chr1:43,445,889-43,445,890. GRCh37 (hg19): chr1:43,911,560-43,911,561.
Other names: c.8655-5_8655-4insTTTTTTTTTTTTTTTTTTTTNNNNNNNNNNTGACCTCGTGATCCGCCCGCCTCGGCCTCCCAAAGTGCTGGGATTACAGGCGTGAGCCACCGCGCCCGGCCCCTCCTCCTTTTCT (NM_015284.4).
Identifiers: ClinVar variation 1469561 (VCV001469561.6), dbSNP rs2153936501.

ClinVar aggregate classification (germline): Uncertain significance (1 of 4 stars; one submission).

Submission:

Labcorp Genetics (formerly Invitae), Labcorp
Classification: Uncertain significance. Last evaluated: 2021-07-03. Review status: criteria provided, single submitter. Criteria: Invitae Variant Classification Sherloc (09022015). Collection method: clinical testing. Allele origin: germline.
Comment: This sequence change falls in intron 61 of the SZT2 gene. It does not directly change the encoded amino acid sequence of the SZT2 protein. This variant is not present in population databases (ExAC no frequency). This variant has not been reported in the literature in individuals affected with SZT2-related conditions. Algorithms developed to predict the effect of sequence changes on RNA splicing suggest that this variant may create or strengthen a splice site. In summary, the available evidence is currently insufficient to determine the role of this variant in disease. Therefore, it has been classified as a Variant of Uncertain Significance.